The following is an entry in ClinVar:

NM_003482.4(KMT2D):c.10508-3del

Gene: KMT2D (lysine methyltransferase 2D; minus strand). Cytogenetic location: 12q13.12.
Variant type: Deletion.
Coding change: c.10508-3del on transcript NM_003482.4 (MANE Select); 3 bases into the intron before coding-DNA position 10508, one base deleted (C; older notation c.10508-3delC).
Molecular consequence: intron variant.
Genome position (GRCh38, 1-based): chr12:49,034,302, G deleted on the plus strand (C on the coding strand, the reverse complement: KMT2D is on the minus strand); the first of 3 consecutive G bases (chr12:49,034,302-49,034,304); deleting any one gives the same sequence. VCF-style (leftmost placement, unchanged base first): chr12-49034301-TG-T. GRCh37 (hg19) VCF-style: chr12-49428084-TG-T.
Identifiers: ClinVar variation 2890372 (VCV002890372.3), dbSNP rs1216334809, ClinGen allele CA605233658.

ClinVar aggregate classification (germline): Uncertain significance (1 of 4 stars; one submission).

Conditions:
Kabuki syndrome. Also called: Kabuki make-up syndrome; NIIKAWA-KUROKI SYNDROME. Identifiers: Orphanet 2322, MedGen C0796004, MONDO:0016512.

Submission:

Labcorp Genetics (formerly Invitae), Labcorp
Classification: Uncertain significance for Kabuki syndrome. Last evaluated: 2023-11-10. Review status: criteria provided, single submitter. Criteria: Invitae Variant Classification Sherloc (09022015). Collection method: clinical testing. Allele origin: germline.
Comment: This sequence change falls in intron 37 of the KMT2D gene. It does not directly change the encoded amino acid sequence of the KMT2D protein. It affects a nucleotide within the consensus splice site. The frequency data for this variant in the population databases is considered unreliable, as metrics indicate poor data quality at this position in the gnomAD database. This variant has not been reported in the literature in individuals affected with KMT2D-related conditions. Variants that disrupt the consensus splice site are a relatively common cause of aberrant splicing (PMID: 17576681, 9536098). Algorithms developed to predict the effect of sequence changes on RNA splicing suggest that this variant is not likely to affect RNA splicing. In summary, the available evidence is currently insufficient to determine the role of this variant in disease. Therefore, it has been classified as a Variant of Uncertain Significance.

Literature cited by the submitters: PubMed 17576681; PubMed 9536098.